The following is an entry in ClinVar:

ClinVar aggregate classification (germline): Uncertain significance. Review status: criteria provided, multiple submitters, no conflicts (2 of 4 stars). 6 submissions from 6 submitters: Uncertain significance (6). Last evaluated 2025-12-13.

Conditions:
Arrhythmogenic right ventricular cardiomyopathy (ARVD). Also called: Arrhythmogenic right ventricular dysplasia; Arrhythmogenic cardiomyopathy; Arrhythmogenic Right Ventricular Cardiomyopathy (ARVC); Cardiomyopathy, ARVC. Identifiers: Orphanet 247, MedGen C0349788, MeSH D019571, MONDO:0016587. Disease mechanism: loss of function. Inheritance: Various modes of inheritance.
Cardiomyopathy (CMYO). Also called: Cardiomyopathies. Identifiers: Orphanet 167848, MedGen C0878544, MONDO:0004994, HP:0001638. Inheritance: Various modes of inheritance.
Arrhythmogenic right ventricular dysplasia 10. Also called: Arrhythmogenic Right Ventricular Dysplasia/Cardiomyopathy10; ARRHYTHMOGENIC RIGHT VENTRICULAR DYSPLASIA, FAMILIAL, 10; Arrhythmogenic right ventricular dysplasia/cardiomyopathy, type 10. Identifiers: MedGen C1857777, MONDO:0012434, OMIM 610193.
Cardiovascular phenotype. Identifiers: MedGen CN230736.

Allele frequency attached by ClinVar (database versions not stated): gnomAD exomes below 0.00001 and 0.00001; TOPMed 0.00001.
gnomAD v4.1: 12 of 1,614,132 alleles (0.00074%); highest among the groups gnomAD compares: South Asian, 0.0033%; no homozygotes.

Submissions (6):

Labcorp Genetics (formerly Invitae), Labcorp
Classification: Uncertain significance for Arrhythmogenic right ventricular dysplasia 10. Last evaluated: 2025-12-13. Review status: criteria provided, single submitter. Criteria: Invitae Variant Classification Sherloc (09022015). Collection method: clinical testing. Allele origin: germline.
Comment: This sequence change replaces glycine, which is neutral and non-polar, with aspartic acid, which is acidic and polar, at codon 302 of the DSG2 protein (p.Gly302Asp). This variant is present in population databases (no rsID available, gnomAD 0.0009%). This variant has not been reported in the literature in individuals affected with DSG2-related conditions. ClinVar contains an entry for this variant (Variation ID: 919478). Invitae Evidence Modeling of protein sequence and biophysical properties (such as structural, functional, and spatial information, amino acid conservation, physicochemical variation, residue mobility, and thermodynamic stability) has been performed for this missense variant. However, the output from this modeling did not meet the statistical confidence thresholds required to predict the impact of this variant on DSG2 protein function. In summary, the available evidence is currently insufficient to determine the role of this variant in disease. Therefore, it has been classified as a Variant of Uncertain Significance.

All of Us Research Program, National Institutes of Health
Classification: Uncertain significance for Arrhythmogenic right ventricular cardiomyopathy. Last evaluated: 2024-09-23. Review status: criteria provided, single submitter. Criteria: ACMG Guidelines, 2015. Collection method: clinical testing. Allele origin: germline. Inheritance: Autosomal dominant inheritance. Observed: 5 variant alleles, 5 heterozygotes.
Comment: This missense variant replaces glycine with aspartic acid at codon 302 of the DSG2 protein. Computational prediction suggests that this variant may not impact protein structure and function (internally defined REVEL score threshold <= 0.5, PMID: 27666373). To our knowledge, functional studies have not been reported for this variant. This variant has not been reported in individuals affected with DSG2-related disorders in the literature. This variant has been identified in 1/249410 chromosomes in the general population by the Genome Aggregation Database (gnomAD). The available evidence is insufficient to determine the role of this variant in disease conclusively. Therefore, this variant is classified as a Variant of Uncertain Significance.

This study involves interpretation of variants in research participants for the purpose of population health screening. Participant phenotype was not available at the time of variant classification. Additional details can be found in publication PMID: 35346344, PMCID: PMC8962531

Color Diagnostics, LLC DBA Color Health
Classification: Uncertain significance for Cardiomyopathy. Last evaluated: 2024-07-17. Review status: criteria provided, single submitter. Criteria: ACMG Guidelines, 2015. Collection method: clinical testing. Allele origin: germline.
Comment: This missense variant replaces glycine with aspartic acid at codon 302 of the DSG2 protein. Computational prediction suggests that this variant may not impact protein structure and function. To our knowledge, functional studies have not been reported for this variant. This variant has not been reported in individuals affected with DSG2-related disorders in the literature. This variant has been identified in 1/249410 chromosomes in the general population by the Genome Aggregation Database (gnomAD). The available evidence is insufficient to determine the role of this variant in disease conclusively. Therefore, this variant is classified as a Variant of Uncertain Significance.

Ambry Genetics
Classification: Uncertain significance for Cardiovascular phenotype. Last evaluated: 2024-01-16. Review status: criteria provided, single submitter. Criteria: Ambry Variant Classification Scheme 2023. Collection method: clinical testing. Allele origin: germline.
Comment: The p.G302D variant (also known as c.905G>A), located in coding exon 8 of the DSG2 gene, results from a G to A substitution at nucleotide position 905. The glycine at codon 302 is replaced by aspartic acid, an amino acid with similar properties. This amino acid position is conserved. In addition, this alteration is predicted to be tolerated by in silico analysis. Since supporting evidence is limited at this time, the clinical significance of this alteration remains unclear.

GeneDx
Classification: Uncertain significance. Last evaluated: 2023-08-23. Review status: criteria provided, single submitter. Criteria: GeneDx Variant Classification Process June 2021. Collection method: clinical testing. Allele origin: germline. Affected: yes.
Comment: Has not been previously published as pathogenic or benign to our knowledge; Not observed at significant frequency in large population cohorts (gnomAD); In silico analysis supports that this missense variant does not alter protein structure/function

CeGaT Center for Human Genetics Tuebingen
Classification: Uncertain significance. Last evaluated: 2023-01-01. Review status: criteria provided, single submitter. Criteria: CeGaT Center For Human Genetics Tuebingen Variant Classification Criteria Version 2. Collection method: clinical testing. Allele origin: germline. Affected: yes. Observed: 2 variant alleles.
Comment: DSG2: PM2, BP4

NM_001943.5(DSG2):c.905G>A (p.Gly302Asp)

Gene: DSG2 (desmoglein 2; plus strand). Cytogenetic location: 18q12.1.
Variant type: single nucleotide variant.
Coding change: c.905G>A on transcript NM_001943.5 (MANE Select); coding-DNA position 905, G replaced by A.
Protein change: p.Gly302Asp; replaces glycine 302 with aspartic acid.
Molecular consequence: missense variant.
Genome position (GRCh38, 1-based): chr18:31,524,779, G>A. VCF-style: chr18-31524779-G-A. GRCh37 (hg19) VCF-style: chr18-29104742-G-A.
Other names: c.905G>A (NM_001943.3); short protein forms G302D.
Identifiers: ClinVar variation 919478 (VCV000919478.39), dbSNP rs1338174918, ClinGen allele CA402135633.
Genomic context (GRCh38, chr18:31,524,779, plus strand): 5'-AAGAAAATCAAGTCAACGTAGAAGTTACGCGCATAAAAGTGTTCGATGCAGATGAAATAG[G>A]TTCTGATAATTGGCTGGCAAATTTTACATTTGCATCAGGAAATGAAGGAGGTTATTTCCA-3'
Protein context (NP_001934.2, residues 292-312): RIKVFDADEI[Gly302Asp]SDNWLANFTF